The following is an entry in ClinVar:

ClinVar aggregate classification (germline): Pathogenic (1 of 4 stars; one submission).

Conditions:
Polyglandular autoimmune syndrome, type 1 (APS1). Also called: APS I; Whitaker syndrome; PGA I; Autoimmune polyendocrine syndrome type 1; AUTOIMMUNE POLYENDOCRINE SYNDROME, TYPE I, WITH OR WITHOUT REVERSIBLE METAPHYSEAL DYSPLASIA; HYPOADRENOCORTICISM WITH HYPOPARATHYROIDISM AND SUPERFICIAL MONILIASIS. Identifiers: Orphanet 3453, MedGen C0085859, MONDO:0009411, OMIM 240300.

Allele frequency attached by ClinVar (database versions not stated): gnomAD exomes below 0.00001 and 0.00001; ExAC 0.00001.

Submission:

Labcorp Genetics (formerly Invitae), Labcorp
Classification: Pathogenic for Polyglandular autoimmune syndrome, type 1. Last evaluated: 2020-12-08. Review status: criteria provided, single submitter. Criteria: Invitae Variant Classification Sherloc (09022015). Collection method: clinical testing. Allele origin: germline.
Comment: This sequence change creates a premature translational stop signal (p.Glu383Thrfs*40) in the AIRE gene. It is expected to result in an absent or disrupted protein product. Loss-of-function variants in AIRE are known to be pathogenic (PMID: 11524731, 26141571). This variant is present in population databases (rs746933095, ExAC 0.002%). For these reasons, this variant has been classified as Pathogenic. This variant has not been reported in the literature in individuals with AIRE-related conditions.

Literature cited by the submitters: PubMed 11524731; PubMed 26141571.

NM_000383.4(AIRE):c.1143_1144del (p.Glu383fs)

Gene: AIRE (autoimmune regulator; plus strand). Cytogenetic location: 21q22.3.
Variant type: Deletion.
Coding change: c.1143_1144del on transcript NM_000383.4 (MANE Select); coding-DNA positions 1143 to 1144, 2 bases deleted (TG; older notation c.1143_1144delTG).
Protein change: p.Glu383fs; shifts the reading frame from glutamic acid 383.
Molecular consequence: frameshift variant.
Genome position (GRCh38, 1-based): chr21:44,293,040-44,293,041, TG deleted. VCF-style (leftmost placement, unchanged base first): chr21-44293039-CTG-C. GRCh37 (hg19) VCF-style: chr21-45712922-CTG-C.
Other names: short protein forms E383fs.
Identifiers: ClinVar variation 1430725 (VCV001430725.6), dbSNP rs746933095, ClinGen allele CA10051964.